The following is an entry in ClinVar:

ClinVar aggregate classification (germline): Uncertain significance (1 of 4 stars; one submission).

gnomAD v4.1: 1 of 1,614,176 alleles (0.000062%); highest among the groups gnomAD compares: Non-Finnish European, 0.000085%; no homozygotes.

Submission:

Labcorp Genetics (formerly Invitae), Labcorp
Classification: Uncertain significance. Last evaluated: 2024-06-18. Review status: criteria provided, single submitter. Criteria: Invitae Variant Classification Sherloc (09022015). Collection method: clinical testing. Allele origin: germline.
Comment: This sequence change creates a premature translational stop signal (p.Cys1660*) in the MTOR gene. It is expected to result in an absent or disrupted protein product. However, the current clinical and genetic evidence is not sufficient to establish whether loss-of-function variants in MTOR cause disease. This variant is not present in population databases (gnomAD no frequency). This variant has not been reported in the literature in individuals affected with MTOR-related conditions. In summary, the available evidence is currently insufficient to determine the role of this variant in disease. Therefore, it has been classified as a Variant of Uncertain Significance.

NM_004958.4(MTOR):c.4980C>A (p.Cys1660Ter)

Gene: MTOR (mechanistic target of rapamycin kinase; minus strand). Cytogenetic location: 1p36.22.
Variant type: single nucleotide variant.
Coding change: c.4980C>A on transcript NM_004958.4 (MANE Select); coding-DNA position 4980, C replaced by A.
Protein change: p.Cys1660Ter; replaces cysteine 1660 with a stop codon.
Molecular consequence: nonsense.
Genome position (GRCh38, 1-based): chr1:11,139,551, G>T on the plus strand (C>A on the coding strand, the complement: MTOR is on the minus strand). VCF-style: chr1-11139551-G-T. GRCh37 (hg19) VCF-style: chr1-11199608-G-T.
Other names: c.4980C>A, p.Cys1660Ter (NM_001386500.1); c.3732C>A, p.Cys1244Ter (NM_001386501.1); short protein forms C1660*, C1244*.
Identifiers: ClinVar variation 3656909 (VCV003656909.2).
Genomic context (GRCh38, chr1:11,139,551, plus strand): 5'-TGGGGCCCTACCTGCCCATGTGGGTGGGTGGTTGTCACTCACCAGCCTGCCACTCTTGCC[G>T]CACAGGCTTGCATACTTGAGCCAGGTTCTCATGTCTTCATGAGGGCTGACCACAAGGGAC-3'